The following is an entry in ClinVar:

ClinVar aggregate classification (germline): Benign (1 of 4 stars; one submission).

Conditions:
Hereditary spastic paraplegia 4. Also called: Spastic paraplegia 4, autosomal dominant; Spastic Paraplegia 4; Familial spastic paraplegia autosomal dominant 2. Identifiers: Orphanet 100985, MedGen C1866855, MONDO:0008438, OMIM 182601.

Allele frequency attached by ClinVar (database versions not stated): TOPMed 0.00036; 1000 Genomes Project 0.00080; 1000 Genomes Project 30x 0.00109.
gnomAD v4.1: 56 of 152,204 alleles (0.037%); highest among the groups gnomAD compares: African/African-American, 0.084%; no homozygotes.

Submission:

Illumina Laboratory Services, Illumina
Classification: Benign for Hereditary spastic paraplegia 4. Last evaluated: 2018-01-12. Review status: criteria provided, single submitter. Criteria: ICSL Variant Classification Criteria 13 December 2019. Collection method: clinical testing. Allele origin: germline.
Comment: This variant was observed in the ICSL laboratory as part of a predisposition screen in an ostensibly healthy population. It had not been previously curated by ICSL or reported in the Human Gene Mutation Database (HGMD: prior to June 1st, 2018), and was therefore a candidate for classification through an automated scoring system. Utilizing variant allele frequency, disease prevalence and penetrance estimates, and inheritance mode, an automated score was calculated to assess if this variant is too frequent to cause the disease. Based on the score and internal cut-off values, a variant classified as benign is not then subjected to further curation. The score for this variant resulted in a classification of benign for this disease.

NM_014946.4(SPAST):c.*1969A>T

Gene: SPAST (spastin; plus strand). Cytogenetic location: 2p22.3.
Variant type: single nucleotide variant.
Coding change: c.*1969A>T on transcript NM_014946.4 (MANE Select); 1969 bases downstream of the stop codon, A replaced by T.
Molecular consequence: 3 prime UTR variant.
Genome position (GRCh38, 1-based): chr2:32,156,465, A>T. VCF-style: chr2-32156465-A-T. GRCh37 (hg19) VCF-style: chr2-32381534-A-T.
Other names: c.*1969A>T (NM_001363823.2, NM_001363875.2, NM_199436.2); c.*2093A>T (NM_001377959.1).
Identifiers: ClinVar variation 335873 (VCV000335873.5), dbSNP rs533154653, ClinGen allele CA10613245.